The following is an entry in ClinVar:

ClinVar aggregate classification (germline): Uncertain significance (1 of 4 stars; one submission).

Submission:

Labcorp Genetics (formerly Invitae), Labcorp
Classification: Uncertain significance. Last evaluated: 2024-10-16. Review status: criteria provided, single submitter. Criteria: Invitae Variant Classification Sherloc (09022015). Collection method: clinical testing. Allele origin: germline.
Comment: This sequence change replaces isoleucine, which is neutral and non-polar, with threonine, which is neutral and polar, at codon 477 of the SEPT9 protein (p.Ile477Thr). This variant is not present in population databases (gnomAD no frequency). This variant has not been reported in the literature in individuals affected with SEPT9-related conditions. Invitae Evidence Modeling of protein sequence and biophysical properties (such as structural, functional, and spatial information, amino acid conservation, physicochemical variation, residue mobility, and thermodynamic stability) indicates that this missense variant is expected to disrupt SEPT9 protein function with a positive predictive value of 80%. In summary, the available evidence is currently insufficient to determine the role of this variant in disease. Therefore, it has been classified as a Variant of Uncertain Significance.

NM_001113491.2(SEPTIN9):c.1484T>C (p.Ile495Thr)

Gene: SEPTIN9 (septin 9; plus strand). Cytogenetic location: 17q25.3.
Variant type: single nucleotide variant.
Coding change: c.1484T>C on transcript NM_001113491.2 (MANE Select); coding-DNA position 1484, T replaced by C.
Protein change: p.Ile495Thr; replaces isoleucine 495 with threonine.
Molecular consequence: missense variant.
Genome position (GRCh38, 1-based): chr17:77,492,987, T>C. VCF-style: chr17-77492987-T-C. GRCh37 (hg19) VCF-style: chr17-75489069-T-C.
Other names: c.731T>C, p.Ile244Thr (NM_001293698.2, NM_001113495.2, NM_001113496.2 and 1 more transcripts); c.1430T>C, p.Ile477Thr (NM_006640.5); c.1463T>C, p.Ile488Thr (NM_001113493.2); c.992T>C, p.Ile331Thr (NM_001113494.1, NM_001113492.2); c.1427T>C, p.Ile476Thr (NM_001293695.2); c.812T>C, p.Ile271Thr (NM_001293696.2); short protein forms I244T, I271T, I331T, I476T, I477T, I488T, I495T.
Identifiers: ClinVar variation 3608741 (VCV003608741.2).